The following is an entry in ClinVar:

ClinVar aggregate classification (germline): Pathogenic (1 of 4 stars; one submission).

Conditions:
Hereditary breast ovarian cancer syndrome. Also called: Hereditary breast and ovarian cancer; Hereditary breast and ovarian cancer syndrome; Breast and ovarian cancer; BRCA1- and BRCA2-Associated Hereditary Breast and Ovarian Cancer; Hereditary breast and/or ovarian cancer syndrome; Hereditary breast and ovarian cancer syndrome (HBOC). Identifiers: Orphanet 145, MedGen C0677776, MeSH D061325, MONDO:0003582. Disease mechanism: loss of function.

Submission:

Women's Health and Genetics/Laboratory Corporation of America, LabCorp
Classification: Pathogenic for Hereditary breast ovarian cancer syndrome. Last evaluated: 2021-02-03. Review status: criteria provided, single submitter. Criteria: LabCorp Variant Classification Summary - May 2015. Collection method: clinical testing. Allele origin: germline.
Comment: Variant summary: The variant identified by MLPA or other technology involves the deletion of exons 4-6 in the BRCA1 gene. A presumed nomenclature of c.(134+1_135-1)_(441+1_442-1)del has been designated for the purposes of this classification. Although exact breakpoints of this deletion are not known, it is expected to result in a frameshift in the BRCA1 gene, a known mechanism of disease. The variant was absent in approximately 21600 control chromosomes in the gnomAD SV database. Deletion of exons 4-6 has been reported in the literature in multiple individuals affected with Hereditary Breast And Ovarian Cancer Syndrome (e.g. Musani_2017, Palmero_2018, Rebbeck_2018, Akcay_2020). These data indicate that the variant is very likely to be associated with disease. To our knowledge, no experimental evidence demonstrating an impact on protein function has been reported. Three submitters, including one expert panel, have reported clinical-significance assessments for this variant to ClinVar after 2014 without evidence for independent evaluation, all citing the variant as pathogenic. Based on the evidence outlined above, the variant was classified as pathogenic.

Literature cited by the submitters: PubMed 29446198; PubMed 29907814; PubMed 32658311; PubMed 29310340.

NC_000017.10:g.(41251898_41256138)_(41258551_41267742)del

Gene: BRCA1 (BRCA1 DNA repair associated; minus strand). Cytogenetic location: 17q21.31.
Variant type: Deletion.
Identifiers: ClinVar variation 997866 (VCV000997866.1).